The following is an entry in ClinVar:

NM_005359.6(SMAD4):c.1283A>C (p.Lys428Thr)

Gene: SMAD4 (SMAD family member 4; plus strand). Cytogenetic location: 18q21.2.
Variant type: single nucleotide variant.
Coding change: c.1283A>C on transcript NM_005359.6 (MANE Select); coding-DNA position 1283, A replaced by C.
Protein change: p.Lys428Thr; replaces lysine 428 with threonine.
Molecular consequence: missense variant.
Genome position (GRCh38, 1-based): chr18:51,067,162, A>C. VCF-style: chr18-51067162-A-C. GRCh37 (hg19) VCF-style: chr18-48593532-A-C.
Other names: short protein forms K428T.
Identifiers: ClinVar variation 484797 (VCV000484797.6), dbSNP rs1555686620, ClinGen allele CA402465029.

ClinVar aggregate classification (germline): Uncertain significance (1 of 4 stars; one submission).

Conditions:
Familial thoracic aortic aneurysm and aortic dissection (TAAD). Also called: Thoracic aortic aneurysms and dissections. Identifiers: Orphanet 91387, MedGen C4707243, MONDO:0019625.
Hereditary cancer-predisposing syndrome. Also called: Tumor predisposition; Hereditary neoplastic syndrome; Neoplastic Syndromes, Hereditary; Hereditary Cancer Syndrome. Identifiers: Orphanet 140162, MedGen C0027672, MeSH D009386, MONDO:0015356.

Submission:

Ambry Genetics
Classification: Uncertain significance for Hereditary cancer-predisposing syndrome; Familial thoracic aortic aneurysm and aortic dissection. Last evaluated: 2026-05-29. Review status: criteria provided, single submitter. Criteria: Ambry Variant Classification Scheme 2023. Collection method: clinical testing. Allele origin: germline.
Comment: The p.K428T variant (also known as c.1283A>C), located in coding exon 9 of the SMAD4 gene, results from an A to C substitution at nucleotide position 1283. The lysine at codon 428 is replaced by threonine, an amino acid with similar properties. This amino acid position is highly conserved in available vertebrate species. In addition, this alteration is predicted to be deleterious by in silico analysis. Based on the available evidence, the clinical significance of this variant remains unclear.

Literature cited by the submitters: PubMed 23139211.